The following is an entry in ClinVar:

NC_000010.10:g.(?_56423912)_(56424022_?)del

Gene: PCDH15 (protocadherin related 15; minus strand). Cytogenetic location: 10q21.1.
Variant type: Deletion.
Identifiers: ClinVar variation 3245015 (VCV003245015.1).

ClinVar aggregate classification (germline): Pathogenic (1 of 4 stars; one submission).

Submission:

Labcorp Genetics (formerly Invitae), Labcorp
Classification: Pathogenic. Last evaluated: 2023-11-18. Review status: criteria provided, single submitter. Criteria: Invitae Variant Classification Sherloc (09022015). Collection method: clinical testing. Allele origin: unknown.
Comment: This variant is a gross deletion of the genomic region encompassing exon(s) 2 of the PCDH15 gene, which includes the initiator codon. This deletion extends beyond the assayed region for this gene and therefore may encompass additional genes. It is expected to result in an absent or disrupted protein product. Loss-of-function variants in PCDH15 are known to be pathogenic (PMID: 11398101, 11487575, 14570705). A similar copy number variant has been observed in individual(s) with Usher syndrome (PMID: 23591405). For these reasons, this variant has been classified as Pathogenic.

Literature cited by the submitters: PubMed 11398101; PubMed 11487575; PubMed 14570705; PubMed 23591405.